The following is an entry in ClinVar:

ClinVar aggregate classification (germline): Uncertain significance. Review status: criteria provided, multiple submitters, no conflicts (2 of 4 stars). 2 submissions from 2 submitters: Uncertain significance (2). Last evaluated 2025-06-19.

Conditions:
Intellectual developmental disorder, autosomal dominant 29. Also called: SETBP1 Haploinsufficiency Disorder; Intellectual disability, autosomal dominant 29. Identifiers: Orphanet 436151, MedGen C4015141, MONDO:0014482, OMIM 616078.
Schinzel-Giedion syndrome (SGS). Identifiers: Orphanet 798, MedGen C0265227, MONDO:0010010, OMIM 269150.

gnomAD v4.1: 8 of 1,614,084 alleles (0.0005%); highest among the groups gnomAD compares: South Asian, 0.0022%; 1 homozygote.

Submissions (2):

Labcorp Genetics (formerly Invitae), Labcorp
Classification: Uncertain significance. Last evaluated: 2025-06-19. Review status: criteria provided, single submitter. Criteria: Invitae Variant Classification Sherloc (09022015). Collection method: clinical testing. Allele origin: germline.
Comment: This sequence change replaces arginine, which is basic and polar, with lysine, which is basic and polar, at codon 968 of the SETBP1 protein (p.Arg968Lys). This variant is not present in population databases (gnomAD no frequency). This variant has not been reported in the literature in individuals affected with SETBP1-related conditions. ClinVar contains an entry for this variant (Variation ID: 3583333). Invitae Evidence Modeling of protein sequence and biophysical properties (such as structural, functional, and spatial information, amino acid conservation, physicochemical variation, residue mobility, and thermodynamic stability) indicates that this missense variant is expected to disrupt SETBP1 protein function with a positive predictive value of 80%. In summary, the available evidence is currently insufficient to determine the role of this variant in disease. Therefore, it has been classified as a Variant of Uncertain Significance.

Fulgent Genetics
Classification: Uncertain significance for Schinzel-Giedion syndrome; Intellectual developmental disorder, autosomal dominant 29. Last evaluated: 2024-01-22. Review status: criteria provided, single submitter. Criteria: ACMG Guidelines, 2015. Collection method: clinical testing. Allele origin: germline.

NM_015559.3(SETBP1):c.2903G>A (p.Arg968Lys)

Gene: SETBP1 (SET binding protein 1; plus strand). Cytogenetic location: 18q12.3.
Variant type: single nucleotide variant.
Coding change: c.2903G>A on transcript NM_015559.3 (MANE Select); coding-DNA position 2903, G replaced by A.
Protein change: p.Arg968Lys; replaces arginine 968 with lysine.
Molecular consequence: missense variant.
Genome position (GRCh38, 1-based): chr18:44,952,243, G>A. VCF-style: chr18-44952243-G-A. GRCh37 (hg19) VCF-style: chr18-42532208-G-A.
Other names: c.2903G>A, p.Arg968Lys (NM_001379141.1, NM_001379142.1, NM_001410862.1); short protein forms R968K.
Identifiers: ClinVar variation 3583333 (VCV003583333.2).